The following is an entry in ClinVar:

ClinVar aggregate classification (germline): Pathogenic (1 of 4 stars; one submission).

Conditions:
Inborn genetic diseases. Identifiers: MedGen C0950123, MeSH D030342.

Submission:

Ambry Genetics
Classification: Pathogenic for Inborn genetic diseases. Last evaluated: 2023-07-27. Review status: criteria provided, single submitter. Criteria: Ambry Variant Classification Scheme 2023. Collection method: clinical testing. Allele origin: germline.
Comment: The c.383T>A (p.L128*) alteration, located in exon 7 (coding exon 5) of the CSNK2A1 gene, consists of a T to A substitution at nucleotide position 383. This changes the amino acid from a leucine (L) to a stop codon at amino acid position 128. This alteration is expected to result in loss of function by premature protein truncation or nonsense-mediated mRNA decay. This variant was not reported in population-based cohorts in the Genome Aggregation Database (gnomAD). Based on the available evidence, this alteration is classified as pathogenic.

NM_177559.3(CSNK2A1):c.383T>A (p.Leu128Ter)

Gene: CSNK2A1 (casein kinase 2 alpha 1; minus strand). Cytogenetic location: 20p13.
Variant type: single nucleotide variant.
Coding change: c.383T>A on transcript NM_177559.3 (MANE Select); coding-DNA position 383, T replaced by A.
Protein change: p.Leu128Ter; replaces leucine 128 with a stop codon.
Molecular consequence: nonsense. On other transcripts: 5 prime UTR variant (1).
Genome position (GRCh38, 1-based): chr20:497,764, A>T on the plus strand (T>A on the coding strand, the complement: CSNK2A1 is on the minus strand). VCF-style: chr20-497764-A-T. GRCh37 (hg19) VCF-style: chr20-478408-A-T.
Other names: c.383T>A, p.Leu128Ter (NM_001362770.2, NM_001362771.2, NM_001895.4); c.-26T>A (NM_177560.3); short protein forms L128*.
Identifiers: ClinVar variation 985219 (VCV000985219.4), dbSNP rs2018374647, ClinGen allele CA407934763.